The following is an entry in ClinVar:

ClinVar aggregate classification (germline): Likely benign. Review status: criteria provided, multiple submitters, no conflicts (2 of 4 stars). 2 submissions from 2 submitters: Likely benign (2). Last evaluated 2026-03-30.

Conditions:
FLT4-related disorder. Also called: FLT4-related condition.
Inborn genetic diseases. Identifiers: MedGen C0950123, MeSH D030342.

gnomAD v4.1: 9 of 1,612,688 alleles (0.00056%); highest among the groups gnomAD compares: South Asian, 0.0011%; no homozygotes.

Submissions (2):

Ambry Genetics
Classification: Likely benign for Inborn genetic diseases. Last evaluated: 2026-03-30. Review status: criteria provided, single submitter. Criteria: Ambry Variant Classification Scheme 2023. Collection method: clinical testing. Allele origin: germline.

PreventionGenetics, part of Exact Sciences
Classification: Likely benign for FLT4-related condition. Last evaluated: 2025-03-08. Review status: criteria provided, single submitter. Criteria: ACMG Guidelines, 2015. Collection method: clinical testing. Allele origin: germline.
Comment: This variant is classified as likely benign based on ACMG/AMP sequence variant interpretation guidelines (Richards et al. 2015 PMID: 25741868, with internal and published modifications).

NM_182925.5(FLT4):c.552G>A (p.Val184=)

Gene: FLT4 (fms related receptor tyrosine kinase 4; minus strand). Cytogenetic location: 5q35.3.
Variant type: single nucleotide variant.
Coding change: c.552G>A on transcript NM_182925.5 (MANE Select); coding-DNA position 552, G replaced by A.
Protein change: p.Val184=; no amino-acid change (valine 184 retained).
Molecular consequence: synonymous variant.
Genome position (GRCh38, 1-based): chr5:180,630,067, C>T on the plus strand (G>A on the coding strand, the complement: FLT4 is on the minus strand). VCF-style: chr5-180630067-C-T. GRCh37 (hg19) VCF-style: chr5-180057067-C-T.
Other names: c.552G>A (NM_182925.4); c.552G>A, p.Val184= (NM_001354989.2, NM_002020.5).
Identifiers: ClinVar variation 4871482 (VCV004871482.2).